The following is an entry in ClinVar:

NM_002617.4(PEX10):c.509del (p.Gly170fs)

Gene: PEX10 (peroxisomal biogenesis factor 10; minus strand). Cytogenetic location: 1p36.32.
Variant type: Deletion.
Coding change: c.509del on transcript NM_002617.4 (MANE Select); coding-DNA position 509, one base deleted (G; older notation c.509delG).
Protein change: p.Gly170fs; shifts the reading frame from glycine 170.
Molecular consequence: frameshift variant. On other transcripts: non-coding transcript variant (1).
Genome position (GRCh38, 1-based): chr1:2,408,543, C deleted on the plus strand (G on the coding strand, the reverse complement: PEX10 is on the minus strand); the first of 3 consecutive C bases (chr1:2,408,543-2,408,545); deleting any one gives the same sequence. VCF-style (leftmost placement, unchanged base first): chr1-2408542-GC-G. GRCh37 (hg19) VCF-style: chr1-2339981-GC-G.
Other names: c.509del, p.Gly170fs (NM_001374425.1, NM_153818.2); c.77del, p.Gly26fs (NM_001374426.1, NM_001374427.1); short protein forms G170fs, G26fs.
Identifiers: ClinVar variation 2113202 (VCV002113202.4), dbSNP rs2522276086, ClinGen allele CA2580062499.
Genomic context (GRCh38, chr1:2,408,542, plus strand): 5'-GTGGTAGAAGACACCGTGGATGTAAAACCAGGCAACATGTAGCCGCTGGAGGCAGGCGAG[GC>G]CCTGTCTGAGGACGAAGACCGCCCGCAGCAGCGCCCTCCTCTGCTGCTCAGTCAGGGTGG-3'

ClinVar aggregate classification (germline): Pathogenic (1 of 4 stars; one submission).

Conditions:
Peroxisome biogenesis disorder, complementation group 7 (CG7). Also called: Peroxisome biogenesis disorder, complementation group B. Identifiers: MedGen C1864399.

Submission:

Labcorp Genetics (formerly Invitae), Labcorp
Classification: Pathogenic for Peroxisome biogenesis disorder, complementation group 7. Last evaluated: 2022-03-17. Review status: criteria provided, single submitter. Criteria: Invitae Variant Classification Sherloc (09022015). Collection method: clinical testing. Allele origin: germline.
Comment: This sequence change creates a premature translational stop signal (p.Gly170Alafs*34) in the PEX10 gene. It is expected to result in an absent or disrupted protein product. Loss-of-function variants in PEX10 are known to be pathogenic (PMID: 9683594, 10862081, 21031596). This variant is not present in population databases (gnomAD no frequency). This variant has not been reported in the literature in individuals affected with PEX10-related conditions. For these reasons, this variant has been classified as Pathogenic.

Literature cited by the submitters: PubMed 9683594; PubMed 10862081; PubMed 21031596.